The following is an entry in ClinVar:

NM_173648.4(CCDC141):c.2688T>G (p.Ser896Arg)

Gene: CCDC141 (coiled-coil domain containing 141; minus strand). Cytogenetic location: 2q31.2.
Variant type: single nucleotide variant.
Coding change: c.2688T>G on transcript NM_173648.4 (MANE Select); coding-DNA position 2688, T replaced by G.
Protein change: p.Ser896Arg; replaces serine 896 with arginine.
Molecular consequence: missense variant.
Genome position (GRCh38, 1-based): chr2:178,865,803, A>C on the plus strand (T>G on the coding strand, the complement: CCDC141 is on the minus strand). VCF-style: chr2-178865803-A-C. GRCh37 (hg19) VCF-style: chr2-179730530-A-C.
Other names: short protein forms S896R.
Identifiers: ClinVar variation 3003659 (VCV003003659.3), dbSNP rs183526282, ClinGen allele CA2006932.

ClinVar aggregate classification (germline): Uncertain significance (1 of 4 stars; one submission).

Allele frequency attached by ClinVar (database versions not stated): gnomAD 0.00001; ExAC 0.00007; TOPMed 0.00002; 1000 Genomes Project 30x 0.00016; 1000 Genomes Project 0.00020.
gnomAD v4.1: 18 of 1,596,324 alleles (0.0011%); highest among the groups gnomAD compares: Admixed American, 0.032%; no homozygotes.

Submission:

Labcorp Genetics (formerly Invitae), Labcorp
Classification: Uncertain significance. Last evaluated: 2026-01-12. Review status: criteria provided, single submitter. Criteria: Invitae Variant Classification Sherloc (09022015). Collection method: clinical testing. Allele origin: germline.
Comment: This sequence change replaces serine, which is neutral and polar, with arginine, which is basic and polar, at codon 896 of the CCDC141 protein (p.Ser896Arg). This variant is present in population databases (rs183526282, gnomAD 0.05%). This variant has not been reported in the literature in individuals affected with CCDC141-related conditions. ClinVar contains an entry for this variant (Variation ID: 3003659). An algorithm developed to predict the effect of missense changes on protein structure and function (PolyPhen-2) suggests that this variant is likely to be tolerated. In summary, the available evidence is currently insufficient to determine the role of this variant in disease. Therefore, it has been classified as a Variant of Uncertain Significance.